The following is an entry in ClinVar:

NM_000051.4(ATM):c.7565A>G (p.Gln2522Arg)

Genes: ATM (ATM serine/threonine kinase; plus strand), C11orf65 (chromosome 11 open reading frame 65; minus strand). Cytogenetic location: 11q22.3.
Variant type: single nucleotide variant.
Coding change: c.7565A>G on transcript NM_000051.4 (MANE Select); coding-DNA position 7565, A replaced by G.
Protein change: p.Gln2522Arg; replaces glutamine 2522 with arginine.
Molecular consequence: missense variant. On other transcripts: non-coding transcript variant (1), intron variant (2).
Genome position (GRCh38, 1-based): chr11:108,331,493, A>G. VCF-style: chr11-108331493-A-G. GRCh37 (hg19) VCF-style: chr11-108202220-A-G.
Other names: c.7565A>G, p.Gln2522Arg (NM_001351834.2); c.641-22422T>C (NM_001330368.2); c.*38+3727T>C (NM_001351110.2); short protein forms Q2522R.
Identifiers: ClinVar variation 453692 (VCV000453692.16), dbSNP rs1555124039, ClinGen allele CA382560740.
Genomic context (GRCh38, chr11:108,331,493, plus strand): 5'-TTTAATGGTAGAGAGACGGAATGAAGATTCCAACATATAAATTTTTGCCTCTTATGTACC[A>G]ATTGGCTGCTAGAATGGGGACCAAGATGATGGGAGGCCTAGGATTTCATGAAGTCCTCAA-3'
Protein context (NP_000042.3, residues 2512-2532): PTYKFLPLMY[Gln2522Arg]LAARMGTKMM

ClinVar aggregate classification (germline): Uncertain significance. Review status: criteria provided, multiple submitters, no conflicts (2 of 4 stars). 2 submissions from 2 submitters: Uncertain significance (2). Last evaluated 2024-12-05.

Conditions:
Hereditary cancer-predisposing syndrome. Also called: Neoplastic Syndromes, Hereditary; Hereditary Cancer Syndrome; Tumor predisposition; Hereditary neoplastic syndrome. Identifiers: Orphanet 140162, MedGen C0027672, MeSH D009386, MONDO:0015356.
Ataxia-telangiectasia syndrome (AT). Also called: LOUIS-BAR SYNDROME; Cerebello-oculocutaneous telangiectasia; Immunodeficiency with ataxia telangiectasia; Ataxia-telangiectasia, complementation group D; AT, COMPLEMENTATION GROUP C; Ataxia-telangiectasia, complementation group E. Identifiers: Orphanet 100, MedGen C0004135, MONDO:0008840, OMIM 208900.

gnomAD v4.1: 1 of 1,613,576 alleles (0.000062%); highest among the groups gnomAD compares: Non-Finnish European, 0.000085%; no homozygotes.

Submissions (2):

Ambry Genetics
Classification: Uncertain significance for Hereditary cancer-predisposing syndrome. Last evaluated: 2024-12-05. Review status: criteria provided, single submitter. Criteria: Ambry Variant Classification Scheme 2023. Collection method: clinical testing. Allele origin: germline.
Comment: The p.Q2522R variant (also known as c.7565A>G), located in coding exon 50 of the ATM gene, results from an A to G substitution at nucleotide position 7565. The glutamine at codon 2522 is replaced by arginine, an amino acid with highly similar properties. This amino acid position is highly conserved in available vertebrate species. In addition, this alteration is predicted to be deleterious by in silico analysis. Based on the available evidence, the clinical significance of this variant remains unclear.

Labcorp Genetics (formerly Invitae), Labcorp
Classification: Uncertain significance for Ataxia-telangiectasia syndrome. Last evaluated: 2023-08-11. Review status: criteria provided, single submitter. Criteria: Invitae Variant Classification Sherloc (09022015). Collection method: clinical testing. Allele origin: germline.
Comment: In summary, the available evidence is currently insufficient to determine the role of this variant in disease. Therefore, it has been classified as a Variant of Uncertain Significance. An algorithm developed to predict the effect of missense changes on protein structure and function (PolyPhen-2) suggests that this variant is likely to be disruptive. ClinVar contains an entry for this variant (Variation ID: 453692). This variant has not been reported in the literature in individuals affected with ATM-related conditions. This variant is not present in population databases (gnomAD no frequency). This sequence change replaces glutamine, which is neutral and polar, with arginine, which is basic and polar, at codon 2522 of the ATM protein (p.Gln2522Arg).